The following is an entry in ClinVar:

ClinVar aggregate classification (germline): Uncertain significance (1 of 4 stars; one submission).

Submission:

GeneDx
Classification: Uncertain significance. Last evaluated: 2024-09-07. Review status: criteria provided, single submitter. Criteria: GeneDx Variant Classification Process June 2021. Collection method: clinical testing. Allele origin: germline. Affected: yes.
Comment: Not observed at significant frequency in large population cohorts (gnomAD); In silico analysis is inconclusive as to whether the variant alters gene splicing. In the absence of RNA/functional studies, the actual effect of this sequence change is unknown.; Has not been previously published as pathogenic or benign to our knowledge

NM_015570.4(AUTS2):c.625-5T>C

Gene: AUTS2 (activator of transcription and developmental regulator AUTS2; plus strand). Cytogenetic location: 7q11.22.
Variant type: single nucleotide variant.
Coding change: c.625-5T>C on transcript NM_015570.4 (MANE Select); 5 bases into the intron before coding-DNA position 625, T replaced by C.
Molecular consequence: intron variant.
Genome position (GRCh38, 1-based): chr7:70,134,531, T>C. VCF-style: chr7-70134531-T-C. GRCh37 (hg19) VCF-style: chr7-69599517-T-C.
Other names: c.625-5T>C (NM_001127231.3, NM_001127232.3).
Identifiers: ClinVar variation 3776391 (VCV003776391.1).